The following is an entry in ClinVar:

NM_003611.3(OFD1):c.1784A>G (p.Lys595Arg)

Gene: OFD1 (OFD1 centriole and centriolar satellite protein; plus strand). Cytogenetic location: Xp22.2.
Variant type: single nucleotide variant.
Coding change: c.1784A>G on transcript NM_003611.3 (MANE Select); coding-DNA position 1784, A replaced by G.
Protein change: p.Lys595Arg; replaces lysine 595 with arginine.
Molecular consequence: missense variant.
Genome position (GRCh38, 1-based): chrX:13,760,244, A>G. VCF-style: chrX-13760244-A-G. GRCh37 (hg19) VCF-style: chrX-13778363-A-G.
Other names: c.1664A>G, p.Lys555Arg (NM_001330209.2); c.1364A>G, p.Lys455Arg (NM_001330210.2); short protein forms K455R, K595R, K555R.
Identifiers: ClinVar variation 2033980 (VCV002033980.4), dbSNP rs1161696290, ClinGen allele CA412343820.
Genomic context (GRCh38, chrX:13,760,244, plus strand): 5'-ATGGCAATGTGGTGCCTTGCAATGGTGAGATAAGTGGGGATTTCTTGAACAATCCTTTTA[A>G]ACAGGAAAACGTTCTAGCACGTATGGTTGCATCAAGGATCACAAATTATCCAACTGCATG-3'
Protein context (NP_003602.1, residues 585-605): ISGDFLNNPF[Lys595Arg]QENVLARMVA

ClinVar aggregate classification (germline): Uncertain significance (1 of 4 stars; one submission).

Conditions:
Joubert syndrome. Also called: CEREBELLOPARENCHYMAL DISORDER IV; JOUBERT-BOLTSHAUSER SYNDROME; Familial aplasia of the vermis. Identifiers: Orphanet 475, MedGen C5979921, MONDO:0018772.
Orofaciodigital syndrome I (OFD1). Also called: OFDS I; Papillon-Leage and Psaume Syndrome; Oral-Facial-Digital Syndrome Type I. Identifiers: Orphanet 2750, MedGen C1510460, MONDO:0010702, OMIM 311200.

Allele frequency attached by ClinVar (database versions not stated): TOPMed below 0.00001; gnomAD 0.00001; gnomAD exomes 0.00001.
gnomAD v4.1: 8 of 1,210,005 alleles (0.00066%); highest among the groups gnomAD compares: Non-Finnish European, 0.00089%; no homozygotes.

Submission:

Labcorp Genetics (formerly Invitae), Labcorp
Classification: Uncertain significance for Orofaciodigital syndrome I; Joubert syndrome. Last evaluated: 2023-07-07. Review status: criteria provided, single submitter. Criteria: Invitae Variant Classification Sherloc (09022015). Collection method: clinical testing. Allele origin: germline.
Comment: This variant has not been reported in the literature in individuals affected with OFD1-related conditions. This variant is not present in population databases (gnomAD no frequency). This sequence change replaces lysine, which is basic and polar, with arginine, which is basic and polar, at codon 595 of the OFD1 protein (p.Lys595Arg). In summary, the available evidence is currently insufficient to determine the role of this variant in disease. Therefore, it has been classified as a Variant of Uncertain Significance. Advanced modeling of protein sequence and biophysical properties (such as structural, functional, and spatial information, amino acid conservation, physicochemical variation, residue mobility, and thermodynamic stability) performed at Invitae indicates that this missense variant is not expected to disrupt OFD1 protein function. ClinVar contains an entry for this variant (Variation ID: 2033980).